The following is an entry in ClinVar:

ClinVar aggregate classification (germline): Uncertain significance (1 of 4 stars; one submission).

Allele frequency attached by ClinVar (database versions not stated): gnomAD exomes below 0.00001 and 0.00002; ExAC 0.00002; TOPMed 0.00002; gnomAD 0.00003 and 0.00004; 1000 Genomes Project 30x 0.00031; 1000 Genomes Project 0.00040.
gnomAD v4.1: 12 of 1,614,204 alleles (0.00074%); highest among the groups gnomAD compares: African/African-American, 0.012%; no homozygotes.

Submission:

Labcorp Genetics (formerly Invitae), Labcorp
Classification: Uncertain significance. Last evaluated: 2025-12-19. Review status: criteria provided, single submitter. Criteria: Invitae Variant Classification Sherloc (09022015). Collection method: clinical testing. Allele origin: germline.
Comment: This sequence change replaces alanine, which is neutral and non-polar, with threonine, which is neutral and polar, at codon 201 of the ARHGEF18 protein (p.Ala201Thr). This variant is present in population databases (rs191378910, gnomAD 0.02%). This variant has not been reported in the literature in individuals affected with ARHGEF18-related conditions. ClinVar contains an entry for this variant (Variation ID: 1062886). An algorithm developed to predict the effect of missense changes on protein structure and function outputs the following: PolyPhen-2: "Benign". The threonine amino acid residue is found in multiple mammalian species, which suggests that this missense change does not adversely affect protein function. In summary, the available evidence is currently insufficient to determine the role of this variant in disease. Therefore, it has been classified as a Variant of Uncertain Significance.

NM_001367823.1(ARHGEF18):c.1165G>A (p.Ala389Thr)

Gene: ARHGEF18 (Rho/Rac guanine nucleotide exchange factor 18; plus strand). Cytogenetic location: 19p13.2.
Variant type: single nucleotide variant.
Coding change: c.1165G>A on transcript NM_001367823.1 (MANE Select); coding-DNA position 1165, G replaced by A.
Protein change: p.Ala389Thr; replaces alanine 389 with threonine.
Molecular consequence: missense variant.
Genome position (GRCh38, 1-based): chr19:7,441,711, G>A. VCF-style: chr19-7441711-G-A. GRCh37 (hg19) VCF-style: chr19-7506597-G-A.
Other names: c.439G>A, p.Ala147Thr (NM_001130955.2); c.127G>A, p.Ala43Thr (NM_001367824.1, NM_015318.4); short protein forms A147T, A389T, A43T.
Identifiers: ClinVar variation 1062886 (VCV001062886.9), dbSNP rs191378910, ClinGen allele CA9136364.
Genomic context (GRCh38, chr19:7,441,711, plus strand): 5'-AGACCAATCACAGGAGAGATGGATGAAGCCGATTCTGCGTTTTTAAAATTTAAGCAGACA[G>A]CTGATGACTCTCTGTCCCTTACATCTCCAAACACCGAGTCCATTTTTGTAGAAGGTATGG-3'
Protein context (NP_001354752.1, residues 379-399): DSAFLKFKQT[Ala389Thr]DDSLSLTSPN